The following is an entry in ClinVar:

ClinVar aggregate classification (germline): Pathogenic. Review status: reviewed by expert panel (3 of 4 stars). 2 submissions from 2 submitters: Pathogenic (1). 1 of the submissions does not count toward it. Last evaluated 2017-12-15.

Conditions:
Breast-ovarian cancer, familial, susceptibility to, 2 (BROVCA2). Also called: BRCA2 Hereditary Breast and Ovarian Cancer. Identifiers: Orphanet 145, MedGen C2675520, MONDO:0012933, OMIM 612555. Disease mechanism: loss of function.
Familial cancer of breast. Also called: BREAST CANCER, FAMILIAL; Hereditary breast cancer; hereditary breast carcinoma. Identifiers: Orphanet 227535, MedGen C0346153, MONDO:0016419, OMIM 114480. Disease mechanism: loss of function.

Submissions (2):

Evidence-based Network for the Interpretation of Germline Mutant Alleles (ENIGMA)
Classification: Pathogenic for Breast-ovarian cancer, familial, susceptibility to, 2. Last evaluated: 2017-12-15. Review status: reviewed by expert panel. Criteria: ENIGMA BRCA1/2 Classification Criteria (2017-06-29). Collection method: curation. Allele origin: germline. Study: ENIGMA.
Comment: Variant allele predicted to encode a truncated non-functional protein.

ClinVar Staff, National Center for Biotechnology Information (NCBI)
No classification provided. Condition: Familial cancer of breast. Review status: no classification provided. Collection method: literature only. Allele origin: germline. Affected: yes. Not counted in ClinVar's aggregate classification.

Literature cited by the submitters: PubMed 21614564 (cited by ClinVar Staff, National Center for Biotechnology Information (NCBI)).

NM_000059.4(BRCA2):c.7963del (p.Gln2655fs)

Gene: BRCA2 (BRCA2 DNA repair associated; plus strand). Cytogenetic location: 13q13.1.
Variant type: Deletion.
Coding change: c.7963del on transcript NM_000059.4 (MANE Select); coding-DNA position 7963, one base deleted (C; older notation c.7963delC).
Protein change: p.Gln2655fs; shifts the reading frame from glutamine 2655.
Molecular consequence: frameshift variant.
Genome position (GRCh38, 1-based): chr13:32,362,680, C deleted. VCF-style (leftmost placement, unchanged base first): chr13-32362679-TC-T. GRCh37 (hg19) VCF-style: chr13-32936816-TC-T.
Other names: c.7963delC (NM_000059.3); short protein forms Q2655fs.
Identifiers: ClinVar variation 52449 (VCV000052449.3), dbSNP rs397507945, ClinGen allele CA025357.
Genomic context (GRCh38, chr13:32,362,679, plus strand): 5'-GGAATGTGCCTTTCCTAAGGAATTTGCTAATAGATGCCTAAGCCCAGAAAGGGTGCTTCT[TC>T]AACTAAAATACAGGCAAGTTTAAAGCATTACATTACGTAATCATATACGGCAGTATGGTT-3'